The following is an entry in ClinVar:

ClinVar aggregate classification (germline): Uncertain significance (1 of 4 stars; one submission).

gnomAD v4.1: 2 of 1,208,484 alleles (0.00017%); highest among the groups gnomAD compares: Non-Finnish European, 0.00022%; no homozygotes.

Submission:

Labcorp Genetics (formerly Invitae), Labcorp
Classification: Uncertain significance. Last evaluated: 2025-04-27. Review status: criteria provided, single submitter. Criteria: Invitae Variant Classification Sherloc (09022015). Collection method: clinical testing. Allele origin: germline.
Comment: This sequence change affects codon 727 of the TAF1 mRNA. It is a 'silent' change, meaning that it does not change the encoded amino acid sequence of the TAF1 protein. This variant also falls at the last nucleotide of exon 13, which is part of the consensus splice site for this exon. This variant is not present in population databases (gnomAD no frequency). This variant has not been reported in the literature in individuals affected with TAF1-related conditions. Variants that disrupt the consensus splice site are a relatively common cause of aberrant splicing (PMID: 17576681, 9536098). Algorithms developed to predict the effect of sequence changes on RNA splicing suggest that this variant may disrupt the consensus splice site. In summary, the available evidence is currently insufficient to determine the role of this variant in disease. Therefore, it has been classified as a Variant of Uncertain Significance.

Literature cited by the submitters: PubMed 17576681; PubMed 9536098.

NM_004606.5(TAF1):c.2121G>A (p.Arg707=)

Gene: TAF1 (TATA-box binding protein associated factor 1; plus strand). Cytogenetic location: Xq13.1.
Variant type: single nucleotide variant.
Coding change: c.2121G>A on transcript NM_004606.5 (MANE Select); coding-DNA position 2121, G replaced by A.
Protein change: p.Arg707=; no amino-acid change (arginine 707 retained).
Molecular consequence: synonymous variant. On other transcripts: non-coding transcript variant (9).
Genome position (GRCh38, 1-based): chrX:71,384,135, G>A. VCF-style: chrX-71384135-G-A. GRCh37 (hg19) VCF-style: chrX-70603985-G-A.
Other names: c.2121G>A, p.Arg707= (NM_001286074.2, NM_001440852.1, NM_001440853.1); c.2058G>A, p.Arg686= (NM_001440854.1, NM_138923.4).
Identifiers: ClinVar variation 4715000 (VCV004715000.1).